The following is an entry in ClinVar:

ClinVar aggregate classification (germline): Uncertain significance. Review status: criteria provided, multiple submitters, no conflicts (2 of 4 stars). 2 submissions from 2 submitters: Uncertain significance (2). Last evaluated 2024-08-20.

Allele frequency attached by ClinVar (database versions not stated): gnomAD 0.00003; ExAC 0.00004; gnomAD exomes 0.00004 and 0.00017; TOPMed 0.00005.
gnomAD v4.1: 251 of 1,613,748 alleles (0.016%); highest among the groups gnomAD compares: Non-Finnish European, 0.021%; no homozygotes.

Submissions (2):

Labcorp Genetics (formerly Invitae), Labcorp
Classification: Uncertain significance. Last evaluated: 2024-08-20. Review status: criteria provided, single submitter. Criteria: Invitae Variant Classification Sherloc (09022015). Collection method: clinical testing. Allele origin: germline.
Comment: This sequence change replaces alanine, which is neutral and non-polar, with valine, which is neutral and non-polar, at codon 1365 of the A2ML1 protein (p.Ala1365Val). This variant is present in population databases (rs765371747, gnomAD 0.008%). This variant has not been reported in the literature in individuals affected with A2ML1-related conditions. ClinVar contains an entry for this variant (Variation ID: 561740). An algorithm developed to predict the effect of missense changes on protein structure and function outputs the following: PolyPhen-2: "Benign". The valine amino acid residue is found in multiple mammalian species, which suggests that this missense change does not adversely affect protein function. In summary, the available evidence is currently insufficient to determine the role of this variant in disease. Therefore, it has been classified as a Variant of Uncertain Significance.

GeneDx
Classification: Uncertain significance. Last evaluated: 2018-02-20. Review status: criteria provided, single submitter. Criteria: GeneDx Variant Classification (06012015). Collection method: clinical testing. Allele origin: germline. Affected: yes.
Comment: The A1365V variant has not been published as a pathogenic variant, nor has it been reported as a benign variant to our knowledge. The A1365V variant is not observed at a significant frequency in large population cohorts (Lek et al., 2016). The A1365V variant is a conservative amino acid substitution, which is not likely to impact secondary protein structure as these residues share similar properties. In-silico analyses, including protein predictors and evolutionary conservation, support that this variant does not alter protein structure/function. In summary, based on the currently available information, it is unclear whether this variant is a pathogenic variant or a rare benign variant.

NM_144670.6(A2ML1):c.4094C>T (p.Ala1365Val)

Gene: A2ML1 (alpha-2-macroglobulin like 1; plus strand). Cytogenetic location: 12p13.31.
Variant type: single nucleotide variant.
Coding change: c.4094C>T on transcript NM_144670.6 (MANE Select); coding-DNA position 4094, C replaced by T.
Protein change: p.Ala1365Val; replaces alanine 1365 with valine.
Molecular consequence: missense variant.
Genome position (GRCh38, 1-based): chr12:8,868,569, C>T. VCF-style: chr12-8868569-C-T. GRCh37 (hg19) VCF-style: chr12-9021165-C-T.
Other names: c.2621C>T, p.Ala874Val (NM_001282424.3); short protein forms A1365V, A874V.
Identifiers: ClinVar variation 561740 (VCV000561740.6), dbSNP rs765371747, ClinGen allele CA6436595.